The following is an entry in ClinVar:

ClinVar aggregate classification (germline): Pathogenic. Review status: criteria provided, multiple submitters, no conflicts (2 of 4 stars). 2 submissions from 2 submitters: Pathogenic (2). Last evaluated 2025-12-16.

Conditions:
Hypertrophic cardiomyopathy. Also called: HYPERTROPHIC MYOCARDIOPATHY. Identifiers: Orphanet 217569, MedGen C0007194, MeSH D002312, MONDO:0005045, HP:0001639.
Hypertrophic cardiomyopathy 4. Also called: Familial hypertrophic cardiomyopathy 4. Identifiers: MedGen C1861862, MONDO:0007268, OMIM 115197.

Submissions (2):

3billion
Classification: Pathogenic for Hypertrophic cardiomyopathy 4. Last evaluated: 2025-12-16. Review status: criteria provided, single submitter. Criteria: ACMG Guidelines, 2015. Collection method: clinical testing. Allele origin: germline. Affected: yes.
Comment: The variant is not observed in the gnomAD v4.1.0 dataset. Predicted Consequence/Location: Stop-gained (nonsense): predicted to result in a loss or disruption of normal protein function through nonsense-mediated decay (NMD) or protein truncation. Multiple pathogenic variants are reported downstream of the variant. The variant has been reported at least twice as pathogenic without evidence for the classification (ClinVar ID: VCV001424922 /PMID: 32380161 /3billion dataset). Therefore, this variant is classified as Pathogenic according to the recommendation of ACMG/AMP guideline.

Labcorp Genetics (formerly Invitae), Labcorp
Classification: Pathogenic for Hypertrophic cardiomyopathy. Last evaluated: 2022-06-27. Review status: criteria provided, single submitter. Criteria: Invitae Variant Classification Sherloc (09022015). Collection method: clinical testing. Allele origin: germline.
Comment: For these reasons, this variant has been classified as Pathogenic. This premature translational stop signal has been observed in individual(s) with hypertrophic cardiomyopathy (PMID: 32380161). This variant is not present in population databases (gnomAD no frequency). This sequence change creates a premature translational stop signal (p.Glu60*) in the MYBPC3 gene. It is expected to result in an absent or disrupted protein product. Loss-of-function variants in MYBPC3 are known to be pathogenic (PMID: 19574547).

Literature cited by the submitters: PubMed 32380161 (cited by 3billion and Labcorp Genetics (formerly Invitae), Labcorp); PubMed 19574547 (cited by Labcorp Genetics (formerly Invitae), Labcorp).

NM_000256.3(MYBPC3):c.178G>T (p.Glu60Ter)

Gene: MYBPC3 (myosin binding protein C3; minus strand). Cytogenetic location: 11p11.2.
Variant type: single nucleotide variant.
Coding change: c.178G>T on transcript NM_000256.3 (MANE Select); coding-DNA position 178, G replaced by T.
Protein change: p.Glu60Ter; replaces glutamic acid 60 with a stop codon.
Molecular consequence: nonsense.
Genome position (GRCh38, 1-based): chr11:47,351,353, C>A on the plus strand (G>T on the coding strand, the complement: MYBPC3 is on the minus strand). VCF-style: chr11-47351353-C-A. GRCh37 (hg19) VCF-style: chr11-47372904-C-A.
Other names: short protein forms E60*.
Identifiers: ClinVar variation 1424922 (VCV001424922.10), dbSNP rs1410935154, ClinGen allele CA380341769.
Genomic context (GRCh38, chr11:47,351,353, plus strand): 5'-CGTAAGATCCCTGGTCGGCAGGGCCCACTTCCCGCACTGTCAGCGTATGCCGTGTGCCCT[C>A]TGTGGCCAGGCCGTACTTGTTGCTGGCGCTGATGTCACTGCCTCCGCGCTGCCAGCGCAC-3'